The following is an entry in ClinVar:

NM_019023.5(PRMT7):c.1239_1246dup (p.Val416fs)

Gene: PRMT7 (protein arginine methyltransferase 7; plus strand). Cytogenetic location: 16q22.1.
Variant type: Duplication.
Coding change: c.1239_1246dup on transcript NM_019023.5 (MANE Select); coding-DNA positions 1239 to 1246, 8 bases duplicated (GCTCTCCG; older notation c.1239_1246dupGCTCTCCG).
Protein change: p.Val416fs; shifts the reading frame from valine 416.
Molecular consequence: frameshift variant. On other transcripts: non-coding transcript variant (12).
Genome position (GRCh38, 1-based): chr16:68,347,258-68,347,265, GCTCTCCG duplicated. VCF-style (leftmost placement, unchanged base first): chr16-68347257-T-TGCTCTCCG. GRCh37 (hg19) VCF-style: chr16-68381160-T-TGCTCTCCG.
Other names: c.1089_1096dup, p.Val366fs (NM_001184824.4); c.1239_1246dup, p.Val416fs (NM_001290018.2, NM_001351143.3, NM_001351144.3 and 1 more transcripts); c.1032_1039dup, p.Val347fs (NM_001378020.1); c.1002_1009dup, p.Val337fs (NM_001378021.1, NM_001378022.1, NM_001378023.1); c.1239_1246dup (NM_019023.2); short protein forms V416fs, V337fs, V366fs, V347fs.
Identifiers: ClinVar variation 522593 (VCV000522593.7), dbSNP rs1567721991, ClinGen allele CA658824955.

ClinVar aggregate classification (germline): Pathogenic. Review status: criteria provided, multiple submitters, no conflicts (2 of 4 stars). 2 submissions from 2 submitters: Pathogenic (2). Last evaluated 2023-09-01.

Conditions:
Short stature-brachydactyly-obesity-global developmental delay syndrome. Also called: SHORT STATURE, BRACHYDACTYLY, IMPAIRED INTELLECTUAL DEVELOPMENT, AND SEIZURES; Short stature, brachydactyly, intellectual developmental disability, and seizures. Identifiers: Orphanet 464288, MedGen C4310689, MONDO:0014944, OMIM 617157.

Allele frequency attached by ClinVar (database versions not stated): gnomAD exomes below 0.00001; TOPMed below 0.00001.

Submissions (2):

GeneDx
Classification: Pathogenic. Last evaluated: 2023-09-01. Review status: criteria provided, single submitter. Criteria: GeneDx Variant Classification Process June 2021. Collection method: clinical testing. Allele origin: germline. Affected: yes.
Comment: Frameshift variant predicted to result in protein truncation or nonsense mediated decay in a gene for which loss of function is a known mechanism of disease; Not observed at significant frequency in large population cohorts (gnomAD); This variant is associated with the following publications: (PMID: 30006058)

Area of Clinical and Molecular Genetics, Hospital Universitario Vall de Hebron
Classification: Pathogenic for Short stature-brachydactyly-obesity-global developmental delay syndrome. Last evaluated: 2018-03-21. Review status: criteria provided, single submitter. Criteria: ACMG Guidelines, 2015. Collection method: clinical testing. Allele origin: maternal. Inheritance: Autosomal recessive inheritance. Affected: yes. Observed: 1 variant allele, 1 compound heterozygote.
Comment: The c.1239_1246dup results in the duplication of 8 nucleotides causing a frame shift at codon 416, that predicts the apparition of a premature stop codon at position 442, which predicts a truncated protein 251 amino acids shorter than the wild type.